The following is an entry in ClinVar:

ClinVar aggregate classification (germline): Uncertain significance (1 of 4 stars; one submission).

Submission:

Ambry Genetics
Classification: Uncertain significance. Last evaluated: 2022-12-14. Review status: criteria provided, single submitter. Criteria: Ambry Variant Classification Scheme 2023. Collection method: clinical testing. Allele origin: germline.
Comment: The p.Q636R variant (also known as c.1907A>G), located in coding exon 3 of the ALPK2 gene, results from an A to G substitution at nucleotide position 1907. The glutamine at codon 636 is replaced by arginine, an amino acid with highly similar properties. This amino acid position is conserved. In addition, this alteration is predicted to be tolerated by in silico analysis. Since supporting evidence is limited at this time, the clinical significance of this alteration remains unclear.

NM_052947.4(ALPK2):c.1907A>G (p.Gln636Arg)

Gene: ALPK2 (alpha kinase 2; minus strand). Cytogenetic location: 18q21.31.
Variant type: single nucleotide variant.
Coding change: c.1907A>G on transcript NM_052947.4 (MANE Select); coding-DNA position 1907, A replaced by G.
Protein change: p.Gln636Arg; replaces glutamine 636 with arginine.
Molecular consequence: missense variant.
Genome position (GRCh38, 1-based): chr18:58,578,869, T>C on the plus strand (A>G on the coding strand, the complement: ALPK2 is on the minus strand). VCF-style: chr18-58578869-T-C. GRCh37 (hg19) VCF-style: chr18-56246101-T-C.
Other names: short protein forms Q636R.
Identifiers: ClinVar variation 2449230 (VCV002449230.2), dbSNP rs2518898448, ClinGen allele CA402559540.
Genomic context (GRCh38, chr18:58,578,869, plus strand): 5'-CTTACCTGAGGAGGATCACTCCAGTCTGGAACCTGGCTTGTTTCAAATAGAGTATTAACT[T>C]GCATGCCTTCTCCCTTGCAATTTGTGTTGCCTTCTTTGGAGACTGAGTCTGTTGAAGTTT-3'
Protein context (NP_443179.3, residues 626-646): GNTNCKGEGM[Gln636Arg]VNTLFETSQV